The following is an entry in ClinVar:

ClinVar aggregate classification (germline): Uncertain significance. Review status: criteria provided, multiple submitters, no conflicts (2 of 4 stars). 4 submissions from 4 submitters: Uncertain significance (4). Last evaluated 2022-07-27.

Conditions:
Autosomal recessive inherited pseudoxanthoma elasticum (PXE). Identifiers: Orphanet 758, MedGen CN032334, MONDO:0009925, OMIM 264800.
Pseudoxanthoma elasticum, forme fruste. Also called: PSEUDOXANTHOMA ELASTICUM, HETEROZYGOUS; Pseudoxanthoma Elasticum, Incomplete. Identifiers: Orphanet 758, MedGen C1867450, MONDO:0008333, OMIM 177850.
Arterial calcification, generalized, of infancy, 2. Identifiers: Orphanet 51608, MedGen C3276161, MONDO:0013768, OMIM 614473.
Retinal dystrophy. Also called: Inherited retinal dystrophy. Identifiers: Orphanet 71862, MedGen C0854723, MeSH D058499, MONDO:0019118, HP:0000556.

Allele frequency attached by ClinVar (database versions not stated): ExAC 0.00030; gnomAD exomes 0.00013; gnomAD 0.00017; 1000 Genomes Project 30x 0.00016; 1000 Genomes Project 0.00020.
gnomAD v4.1: 244 of 1,600,910 alleles (0.015%); highest among the groups gnomAD compares: Non-Finnish European, 0.017%; 1 homozygote.

Submissions (4):

Labcorp Genetics (formerly Invitae), Labcorp
Classification: Uncertain significance. Last evaluated: 2022-07-27. Review status: criteria provided, single submitter. Criteria: Invitae Variant Classification Sherloc (09022015). Collection method: clinical testing. Allele origin: germline.
Comment: This sequence change replaces glycine, which is neutral and non-polar, with arginine, which is basic and polar, at codon 1327 of the ABCC6 protein (p.Gly1327Arg). This variant is present in population databases (rs79536709, gnomAD 0.03%). This variant has not been reported in the literature in individuals affected with ABCC6-related conditions. ClinVar contains an entry for this variant (Variation ID: 1349413). Algorithms developed to predict the effect of missense changes on protein structure and function output the following: SIFT: "Deleterious"; PolyPhen-2: "Probably Damaging"; Align-GVGD: "Class C0". The arginine amino acid residue is found in multiple mammalian species, which suggests that this missense change does not adversely affect protein function. Algorithms developed to predict the effect of sequence changes on RNA splicing suggest that this variant may create or strengthen a splice site. In summary, the available evidence is currently insufficient to determine the role of this variant in disease. Therefore, it has been classified as a Variant of Uncertain Significance.

Fulgent Genetics
Classification: Uncertain significance for Pseudoxanthoma elasticum, forme fruste; Autosomal recessive inherited pseudoxanthoma elasticum; Arterial calcification, generalized, of infancy, 2. Last evaluated: 2022-05-19. Review status: criteria provided, single submitter. Criteria: ACMG Guidelines, 2015. Collection method: clinical testing. Allele origin: unknown.

Institute of Human Genetics, Univ. Regensburg, Univ. Regensburg
Classification: Uncertain significance for Retinal dystrophy. Last evaluated: 2022-01-01. Review status: criteria provided, single submitter. Criteria: ACMG Guidelines, 2015. Collection method: clinical testing. Allele origin: germline. Affected: yes.

Department of Pathology and Laboratory Medicine, Sinai Health System
Classification: Uncertain significance for autosomal recessive inherited pseudoxanthoma elasticum. Last evaluated: 2020-07-02. Review status: criteria provided, single submitter. Criteria: ACMG Guidelines, 2015. Collection method: research. Allele origin: germline.

Literature cited by the submitters: PubMed 29722917 (cited by Institute of Human Genetics, Univ. Regensburg, Univ. Regensburg).

NM_001171.6(ABCC6):c.3979G>A (p.Gly1327Arg)

Gene: ABCC6 (ATP binding cassette subfamily C member 6; minus strand). Cytogenetic location: 16p13.11.
Variant type: single nucleotide variant.
Coding change: c.3979G>A on transcript NM_001171.6 (MANE Select); coding-DNA position 3979, G replaced by A.
Protein change: p.Gly1327Arg; replaces glycine 1327 with arginine.
Molecular consequence: missense variant. On other transcripts: non-coding transcript variant (1).
Genome position (GRCh38, 1-based): chr16:16,154,935, C>T on the plus strand (G>A on the coding strand, the complement: ABCC6 is on the minus strand). VCF-style: chr16-16154935-C-T. GRCh37 (hg19) VCF-style: chr16-16248792-C-T.
Other names: c.3637G>A, p.Gly1213Arg (NM_001351800.1); short protein forms G1213R, G1327R.
Identifiers: ClinVar variation 1349413 (VCV001349413.8), dbSNP rs79536709, ClinGen allele CA7925362.